The following is an entry in ClinVar:

ClinVar aggregate classification (germline): Uncertain significance (0 of 4 stars; one submission).

Conditions:
HOXA11-related disorder. Also called: HOXA11-related condition.

Allele frequency attached by ClinVar (database versions not stated): gnomAD exomes below 0.00001.

Submission:

PreventionGenetics, part of Exact Sciences
Classification: Uncertain significance for HOXA11-related condition. Last evaluated: 2023-10-18. Review status: no assertion criteria provided. Collection method: clinical testing. Allele origin: germline.
Comment: The HOXA11 c.391G>A variant is predicted to result in the amino acid substitution p.Gly131Ser. To our knowledge, this variant has not been reported in the literature or in a large population database, indicating this variant is rare. At this time, the clinical significance of this variant is uncertain due to the absence of conclusive functional and genetic evidence.

NM_005523.6(HOXA11):c.391G>A (p.Gly131Ser)

Genes: HOXA11 (homeobox A11; minus strand), LOC107126281 (NUP98-HOXA11 recombination region; plus strand). Cytogenetic location: 7p15.2.
Variant type: single nucleotide variant.
Coding change: c.391G>A on transcript NM_005523.6 (MANE Select); coding-DNA position 391, G replaced by A.
Protein change: p.Gly131Ser; replaces glycine 131 with serine.
Molecular consequence: missense variant.
Genome position (GRCh38, 1-based): chr7:27,184,754, C>T on the plus strand (G>A on the coding strand, the complement: HOXA11 is on the minus strand). VCF-style: chr7-27184754-C-T. GRCh37 (hg19) VCF-style: chr7-27224373-C-T.
Other names: short protein forms G131S.
Identifiers: ClinVar variation 3032005 (VCV003032005.2), dbSNP rs2534806908, ClinGen allele CA367106972.